The following is an entry in ClinVar:

ClinVar aggregate classification (germline): Pathogenic (1 of 4 stars; one submission).

Conditions:
Cardiovascular phenotype. Identifiers: MedGen CN230736.

Submission:

Ambry Genetics
Classification: Pathogenic for Cardiovascular phenotype. Last evaluated: 2024-08-24. Review status: criteria provided, single submitter. Criteria: Ambry Variant Classification Scheme 2023. Collection method: clinical testing. Allele origin: germline.
Comment: The c.6592_6595delTCCT pathogenic mutation, located in coding exon 2 of the ZNF469 gene, results from a deletion of 4 nucleotides at nucleotide positions 6592 to 6595, causing a translational frameshift with a predicted alternate stop codon (p.S2198Pfs*10). This alteration occurs at the 3' terminus of theZNF469 gene, is not expected to trigger nonsense-mediated mRNA decay, and impacts the last 45% of the protein. However, premature stop codons are typically deleterious in nature, the impacted region is critical for protein function (Ambry internal data), and a significant portion of the protein is affected (Ambry internal data). This variant is considered to be rare based on population cohorts in the Genome Aggregation Database (gnomAD). Based on the supporting evidence, this variant is interpreted as a disease-causing mutation.

NM_001367624.2(ZNF469):c.6676_6679del (p.Ser2226fs)

Gene: ZNF469 (zinc finger protein 469; plus strand). Cytogenetic location: 16q24.2.
Variant type: Deletion.
Coding change: c.6676_6679del on transcript NM_001367624.2 (MANE Select); coding-DNA positions 6676 to 6679, 4 bases deleted (TCCT; older notation c.6676_6679delTCCT).
Protein change: p.Ser2226fs; shifts the reading frame from serine 2226.
Molecular consequence: frameshift variant.
Genome position (GRCh38, 1-based): chr16:88,434,146-88,434,149, TCCT deleted; deleting any 4 consecutive bases within chr16:88,434,143-88,434,149 gives the same sequence; the c. name uses the placement nearest the transcript's 3' end. VCF-style (leftmost placement, unchanged base first): chr16-88434142-CCCTT-C. GRCh37 (hg19) VCF-style: chr16-88500550-CCCTT-C.
Other names: NM_001127464.1:c.6592_6595delTCCT; short protein forms S2226fs.
Identifiers: ClinVar variation 3476180 (VCV003476180.1).